The following is an entry in ClinVar:

NM_000288.4(PEX7):c.620G>C (p.Cys207Ser)

Gene: PEX7 (peroxisomal biogenesis factor 7; plus strand). Cytogenetic location: 6q23.3.
Variant type: single nucleotide variant.
Coding change: c.620G>C on transcript NM_000288.4 (MANE Select); coding-DNA position 620, G replaced by C.
Protein change: p.Cys207Ser; replaces cysteine 207 with serine.
Molecular consequence: missense variant.
Genome position (GRCh38, 1-based): chr6:136,866,720, G>C. VCF-style: chr6-136866720-G-C. GRCh37 (hg19) VCF-style: chr6-137187858-G-C.
Other names: c.506G>C, p.Cys169Ser (NM_001410945.1); short protein forms C207S, C169S.
Identifiers: ClinVar variation 2042880 (VCV002042880.4), dbSNP rs2548093765, ClinGen allele CA365763171.

ClinVar aggregate classification (germline): Uncertain significance (1 of 4 stars; one submission).

Conditions:
Peroxisome biogenesis disorder 9B. Also called: PEX7-Related Refsum Disease; PEROXISOME BIOGENESIS DISORDER, PEX7-RELATED, ATYPICAL; Refsum disease, adult, 2. Identifiers: Orphanet 773, MedGen C2749346, MONDO:0013945, OMIM 614879.

Submission:

Labcorp Genetics (formerly Invitae), Labcorp
Classification: Uncertain significance for Peroxisome biogenesis disorder 9B. Last evaluated: 2022-01-04. Review status: criteria provided, single submitter. Criteria: Invitae Variant Classification Sherloc (09022015). Collection method: clinical testing. Allele origin: germline.
Comment: In summary, the available evidence is currently insufficient to determine the role of this variant in disease. Therefore, it has been classified as a Variant of Uncertain Significance. Algorithms developed to predict the effect of missense changes on protein structure and function (SIFT, PolyPhen-2, Align-GVGD) all suggest that this variant is likely to be tolerated. This variant has not been reported in the literature in individuals affected with PEX7-related conditions. This variant is not present in population databases (gnomAD no frequency). This sequence change replaces cysteine, which is neutral and slightly polar, with serine, which is neutral and polar, at codon 207 of the PEX7 protein (p.Cys207Ser).